The following is an entry in ClinVar:

NM_005033.3(EXOSC9):c.968C>G (p.Ser323Ter)

Gene: EXOSC9 (exosome component 9; plus strand). Cytogenetic location: 4q27.
Variant type: single nucleotide variant.
Coding change: c.968C>G on transcript NM_005033.3 (MANE Select); coding-DNA position 968, C replaced by G.
Protein change: p.Ser323Ter; replaces serine 323 with a stop codon.
Molecular consequence: nonsense.
Genome position (GRCh38, 1-based): chr4:121,813,374, C>G. VCF-style: chr4-121813374-C-G. GRCh37 (hg19) VCF-style: chr4-122734529-C-G.
Other names: c.968C>G, p.Ser323Ter (NM_001034194.2); short protein forms S323*.
Identifiers: ClinVar variation 2075346 (VCV002075346.4), dbSNP rs2476773637, ClinGen allele CA358045864.

ClinVar aggregate classification (germline): Pathogenic (1 of 4 stars; one submission).

Submission:

Labcorp Genetics (formerly Invitae), Labcorp
Classification: Pathogenic. Last evaluated: 2023-08-10. Review status: criteria provided, single submitter. Criteria: Invitae Variant Classification Sherloc (09022015). Collection method: clinical testing. Allele origin: germline.
Comment: ClinVar contains an entry for this variant (Variation ID: 2075346). For these reasons, this variant has been classified as Pathogenic. This variant has not been reported in the literature in individuals affected with EXOSC9-related conditions. This sequence change creates a premature translational stop signal (p.Ser323*) in the EXOSC9 gene. It is expected to result in an absent or disrupted protein product. Loss-of-function variants in EXOSC9 are known to be pathogenic (PMID: 29727687, 33040083). This variant is not present in population databases (gnomAD no frequency).

Literature cited by the submitters: PubMed 29727687; PubMed 33040083.